The following is an entry in ClinVar:

NM_001256071.3(RNF213):c.7830C>T (p.Asn2610=)

Gene: RNF213 (ring finger protein 213; plus strand). Cytogenetic location: 17q25.3.
Variant type: single nucleotide variant.
Coding change: c.7830C>T on transcript NM_001256071.3 (MANE Select); coding-DNA position 7830, C replaced by T.
Protein change: p.Asn2610=; no amino-acid change (asparagine 2610 retained).
Molecular consequence: synonymous variant.
Genome position (GRCh38, 1-based): chr17:80,346,165, C>T. VCF-style: chr17-80346165-C-T. GRCh37 (hg19) VCF-style: chr17-78319965-C-T.
Other names: p.Asn2610=.
Identifiers: ClinVar variation 720409 (VCV000720409.35), dbSNP rs144098631, ClinGen allele CA8820813.
Genomic context (GRCh38, chr17:80,346,165, plus strand): 5'-AAAGCTCTACATCCAGCAGATTGTCCAGAGACTGGTTGAGTCCATCAGCCTAGATGAAAA[C>T]GGGACTCGCGTGATCACAGAAGTCCTCTGCGCCTCTCAGGGTTTCATGAGGAAAACAGAA-3'
Protein context (NP_001243000.2, residues 2600-2620): RLVESISLDE[Asn2610=]GTRVITEVLC

ClinVar aggregate classification (germline): Benign. Review status: criteria provided, multiple submitters, no conflicts (2 of 4 stars). 4 submissions from 4 submitters: Benign (4). Last evaluated 2025-11-01.

Allele frequency attached by ClinVar (database versions not stated): gnomAD 0.00252 and 0.00297; ESP Exome Variant Server 0.00261; gnomAD exomes 0.00349 and 0.00526; TOPMed 0.00364; 1000 Genomes Project 30x 0.00468; 1000 Genomes Project 0.00479; ExAC 0.00481.
gnomAD v4.1: 5,720 of 1,614,168 alleles (0.35%); highest among the groups gnomAD compares: Middle Eastern, 2.4%; 53 homozygotes.

Submissions (4):

CeGaT Center for Human Genetics Tuebingen
Classification: Benign. Last evaluated: 2025-11-01. Review status: criteria provided, single submitter. Criteria: CeGaT Center For Human Genetics Tuebingen Variant Classification Criteria Version 2. Collection method: clinical testing. Allele origin: germline. Affected: yes. Observed: 2 variant alleles.
Comment: RNF213: BP4, BP7, BS1, BS2

Labcorp Genetics (formerly Invitae), Labcorp
Classification: Benign. Last evaluated: 2025-10-06. Review status: criteria provided, single submitter. Criteria: Invitae Variant Classification Sherloc (09022015). Collection method: clinical testing. Allele origin: germline.

Mayo Clinic Laboratories, Mayo Clinic
Classification: Benign. Last evaluated: 2024-08-07. Review status: criteria provided, single submitter. Criteria: ACMG Guidelines, 2015. Collection method: clinical testing. Allele origin: germline. Observed: 3 variant alleles.
Comment: BS1, BS2, BP4, BP7

Breakthrough Genomics
Classification: Benign. Review status: criteria provided, single submitter. Criteria: ACMG Guidelines, 2015. Collection method: not provided. Allele origin: germline. Inheritance: Autosomal dominant inheritance. Affected: yes.